The following is an entry in ClinVar:

NM_022132.5(MCCC2):c.1674C>T (p.Phe558=)

Gene: MCCC2 (methylcrotonyl-CoA carboxylase subunit 2; plus strand). Cytogenetic location: 5q13.2.
Variant type: single nucleotide variant.
Coding change: c.1674C>T on transcript NM_022132.5 (MANE Select); coding-DNA position 1674, C replaced by T.
Protein change: p.Phe558=; no amino-acid change (phenylalanine 558 retained).
Molecular consequence: synonymous variant.
Genome position (GRCh38, 1-based): chr5:71,656,842, C>T. VCF-style: chr5-71656842-C-T. GRCh37 (hg19) VCF-style: chr5-70952669-C-T.
Other names: c.1560C>T, p.Phe520= (NM_001363147.1); c.1674C>T (NM_022132.4).
Identifiers: ClinVar variation 991042 (VCV000991042.13), dbSNP rs768354167, ClinGen allele CA3298236.
Genomic context (GRCh38, chr5:71,656,842, plus strand): 5'-ACTGGTCTTGGGTCTCAGTTTTAGTGCAGCCCTCAACGCACCAATAGAGAAGACTGACTT[C>T]GGTATCTTCAGGATGTAACTGGAATAAAGGATGTTTTCTGTTGGACATGTACTGAAAATT-3'
Protein context (NP_071415.1, residues 548-563): ALNAPIEKTD[Phe558=]GIFRM

ClinVar aggregate classification (germline): Likely benign. Review status: criteria provided, multiple submitters, no conflicts (2 of 4 stars). 4 submissions from 4 submitters: Likely benign (2). 2 of the submissions do not count toward it. Last evaluated 2023-09-27.

Conditions:
Methylcrotonyl-CoA carboxylase deficiency. Also called: 3 Methylcrotonylglycinuria; 3-MCC Deficiency; Deficiency of methylcrotonoyl-CoA carboxylase. Identifiers: Orphanet 6, MedGen C4551505, MONDO:0018950.
MCCC2-related disorder. Also called: MCCC2-related condition.
3-methylcrotonyl-CoA carboxylase 2 deficiency. Also called: 3 alpha methylcrotonyl-CoA carboxylase 2 deficiency; 3 alpha methylcrotonylglycinuria 2; MCC 2 deficiency; Methylcrotonylglycinuria type 2; METHYLCROTONYLGLYCINURIA, TYPE II. Identifiers: Orphanet 6, MedGen C1859499, MONDO:0008862, OMIM 210210.

Allele frequency attached by ClinVar (database versions not stated): gnomAD 0.00003 and 0.00004; gnomAD exomes 0.00004 and 0.00010; TOPMed 0.00004; ExAC 0.00005.
gnomAD v4.1: 152 of 1,613,310 alleles (0.0094%); highest among the groups gnomAD compares: East Asian, 0.087%; 1 homozygote.

Submissions (4):

Labcorp Genetics (formerly Invitae), Labcorp
Classification: Likely benign for 3-methylcrotonyl-CoA carboxylase 2 deficiency. Last evaluated: 2023-09-27. Review status: criteria provided, single submitter. Criteria: Invitae Variant Classification Sherloc (09022015). Collection method: clinical testing. Allele origin: germline.

Fulgent Genetics
Classification: Likely benign for 3-methylcrotonyl-CoA carboxylase 2 deficiency. Last evaluated: 2021-08-04. Review status: criteria provided, single submitter. Criteria: ACMG Guidelines, 2015. Collection method: clinical testing. Allele origin: unknown.

Natera, Inc.
Classification: Uncertain significance for 3-methylcrotonylglycinuria. Last evaluated: 2020-08-21. Review status: no assertion criteria provided. Collection method: clinical testing. Allele origin: germline. Not counted in ClinVar's aggregate classification.

PreventionGenetics, part of Exact Sciences
Classification: Likely benign for MCCC2-related condition. Last evaluated: 2019-07-02. Review status: no assertion criteria provided. Collection method: clinical testing. Allele origin: germline. Not counted in ClinVar's aggregate classification.
Comment: This variant is classified as likely benign based on ACMG/AMP sequence variant interpretation guidelines (Richards et al. 2015 PMID: 25741868, with internal and published modifications).